The following is an entry in ClinVar:

GRCh38/hg38 17q12(chr17:36500215-37889296)x3

Genes: DDX52 (DExD-box helicase 52; minus strand), SNORA90 (small nucleolar RNA, H/ACA box 90; plus strand), SYNRG (synergin gamma; minus strand), TADA2A (transcriptional adaptor 2A; plus strand), DHRS11 (dehydrogenase/reductase 11; plus strand) and 29 more. Cytogenetic location: 17q12.
Variant type: copy number gain.
Change: copy number 3 (three copies instead of two) of chr17:36,500,215-37,889,296 (1.39 Mb, GRCh38 coordinates, 1-based), cytogenetic band 17q12.
Identifiers: ClinVar variation 32491 (VCV000032491.5).

ClinVar aggregate classification (germline): Pathogenic. Review status: no assertion criteria provided (0 of 4 stars). 3 submissions from 3 submitters: Pathogenic (3). Last evaluated 2018-02-15.

Submissions (3):

ISCA site 4
Classification: Pathogenic. Last evaluated: 2018-02-15. Review status: no assertion criteria provided. Collection method: clinical testing. Allele origin: unknown. Affected: yes. Observed: 5 variant alleles. Clinical features observed: Developmental delay AND/OR other significant developmental or morphological phenotypes, Cleft palate (HP:0000175).

ISCA site 1
Classification: Pathogenic. Last evaluated: 2018-02-14. Review status: no assertion criteria provided. Collection method: clinical testing. Allele origin: unknown. Affected: yes. Observed: 3 variant alleles. Clinical features observed: Failure to thrive (HP:0001508), Global developmental delay (HP:0001263), Developmental delay AND/OR other significant developmental or morphological phenotypes.

ISCA site 17
Classification: Pathogenic. Last evaluated: 2018-01-31. Review status: no assertion criteria provided. Collection method: clinical testing. Allele origin: unknown. Affected: yes. Observed: 1 variant allele.
Comment: This deletion is consistent with the Chromosome 17q12 Deletion syndrome (OMIM #614527)

Copy number variation identified through the course of routine clinical cytogenomic testing in postnatal populations, with clinical assertions as classified by the original submitter.